The following is an entry in ClinVar:

ClinVar aggregate classification (germline): Likely benign (0 of 4 stars; one submission).

Conditions:
WDPCP-related disorder. Also called: WDPCP-related condition.

gnomAD v4.1: 5 of 1,598,692 alleles (0.00031%); highest among the groups gnomAD compares: African/African-American, 0.0054%; no homozygotes.

Submission:

PreventionGenetics, part of Exact Sciences
Classification: Likely benign for WDPCP-related condition. Last evaluated: 2020-11-16. Review status: no assertion criteria provided. Collection method: clinical testing. Allele origin: germline.
Comment: This variant is classified as likely benign based on ACMG/AMP sequence variant interpretation guidelines (Richards et al. 2015 PMID: 25741868, with internal and published modifications).

NM_015910.7(WDPCP):c.500-315A>G

Gene: WDPCP (WD repeat containing planar cell polarity effector; minus strand). Cytogenetic location: 2p15.
Variant type: single nucleotide variant.
Coding change: c.500-315A>G on transcript NM_015910.7 (MANE Select); 315 bases into the intron before coding-DNA position 500, A replaced by G.
Molecular consequence: intron variant. On other transcripts: synonymous variant (1), non-coding transcript variant (1).
Genome position (GRCh38, 1-based): chr2:63,437,869, T>C on the plus strand (A>G on the coding strand, the complement: WDPCP is on the minus strand). VCF-style: chr2-63437869-T-C. GRCh37 (hg19) VCF-style: chr2-63665003-T-C.
Other names: c.15A>G, p.Leu5= (NM_001042692.3); c.428-315A>G (NM_001354044.2); c.500-315A>G (NM_001354045.2).
Identifiers: ClinVar variation 3358281 (VCV003358281.1).